The following is an entry in ClinVar:

ClinVar aggregate classification (germline): Likely pathogenic (1 of 4 stars; one submission).

Conditions:
Foveal hypoplasia - optic nerve decussation defect - anterior segment dysgenesis syndrome. Also called: Foveal hypoplasia 2; FOVEAL HYPOPLASIA 2 WITH OR WITHOUT MICROPHTHALMIA OR COLOBOMA; FOVEAL HYPOPLASIA 2 WITH OPTIC NERVE DECUSSATION DEFECTS AND ANTERIOR SEGMENT DYSGENESIS WITHOUT ALBINISM; FOVEAL HYPOPLASIA 2 WITH OR WITHOUT OPTIC NERVE MISROUTING AND/OR ANTERIOR SEGMENT DYSGENESIS. Identifiers: Orphanet 397618, MedGen C3807873, MONDO:0012216, OMIM 609218.

gnomAD v4.1: 1 of 1,613,476 alleles (0.000062%); no homozygotes.

Submission:

Juno Genomics, Hangzhou Juno Genomics, Inc
Classification: Likely pathogenic for Foveal hypoplasia - optic nerve decussation defect - anterior segment dysgenesis syndrome. Review status: criteria provided, single submitter. Criteria: ACMG Guidelines, 2015. Collection method: clinical testing. Allele origin: germline.
Comment: Absent from controls (or at extremely low frequency if recessive) in Genome Aggregation Database.;Null variant in a gene where loss of function (LOF) is a known mechanism of disease.

NM_001080442.3(SLC38A8):c.998G>A (p.Trp333Ter)

Gene: SLC38A8 (solute carrier family 38 member 8; minus strand). Cytogenetic location: 16q23.3.
Variant type: single nucleotide variant.
Coding change: c.998G>A on transcript NM_001080442.3 (MANE Select); coding-DNA position 998, G replaced by A.
Protein change: p.Trp333Ter; replaces tryptophan 333 with a stop codon.
Molecular consequence: nonsense.
Genome position (GRCh38, 1-based): chr16:84,016,683, C>T on the plus strand (G>A on the coding strand, the complement: SLC38A8 is on the minus strand). VCF-style: chr16-84016683-C-T. GRCh37 (hg19) VCF-style: chr16-84050288-C-T.
Other names: short protein forms W333*.
Identifiers: ClinVar variation 5019605 (VCV005019605.2).